The following is an entry in ClinVar:

ClinVar aggregate classification (germline): Benign (1 of 4 stars; one submission).

Allele frequency attached by ClinVar (database versions not stated): gnomAD 0.03705 and 0.03711; TOPMed 0.03839; 1000 Genomes Project 0.04673; 1000 Genomes Project 30x 0.04919.
gnomAD v4.1: 5,621 of 151,998 alleles (3.7%); highest among the groups gnomAD compares: African/African-American, 7.6%; 179 homozygotes.

Submission:

GeneDx
Classification: Benign. Last evaluated: 2018-06-16. Review status: criteria provided, single submitter. Criteria: GeneDx Variant Classification (06012015). Collection method: clinical testing. Allele origin: germline. Affected: yes.
Comment: This variant is considered likely benign or benign based on one or more of the following criteria: it is a conservative change, it occurs at a poorly conserved position in the protein, it is predicted to be benign by multiple in silico algorithms, and/or has population frequency not consistent with disease.

NM_001114753.3(ENG):c.68-215T>C

Gene: ENG (endoglin; minus strand). Cytogenetic location: 9q34.11.
Variant type: single nucleotide variant.
Coding change: c.68-215T>C on transcript NM_001114753.3 (MANE Select); 215 bases into the intron before coding-DNA position 68, T replaced by C.
Molecular consequence: intron variant.
Genome position (GRCh38, 1-based): chr9:127,843,460, A>G on the plus strand (T>C on the coding strand, the complement: ENG is on the minus strand). VCF-style: chr9-127843460-A-G. GRCh37 (hg19) VCF-style: chr9-130605739-A-G.
Other names: c.68-215T>C (NM_000118.4, NM_001406715.1); c.-479-215T>C (NM_001278138.2).
Identifiers: ClinVar variation 676584 (VCV000676584.3), dbSNP rs11789912, ClinGen allele CA13079899.